The following is an entry in ClinVar:

NM_018406.7(MUC4):c.11937A>C (p.Thr3979=)

Gene: MUC4 (mucin 4, cell surface associated). Cytogenetic location: 3q29.
Variant type: single nucleotide variant.
Coding change: c.11937A>C on transcript NM_018406.7 (MANE Select); coding-DNA position 11937, A replaced by C.
Protein change: p.Thr3979=; no amino-acid change (threonine 3979 retained).
Molecular consequence: synonymous variant. On other transcripts: intron variant (2).
Genome position (GRCh38, 1-based): chr3:195,779,643, T>G on the plus strand (A>C on the coding strand, the complement: MUC4 is on the minus strand). VCF-style: chr3-195779643-T-G. GRCh37 (hg19) VCF-style: chr3-195506514-T-G.
Other names: c.83-5338A>C (NM_138297.5); c.83-1188A>C (NM_004532.6).
Identifiers: ClinVar variation 3388303 (VCV003388303.14).

ClinVar aggregate classification (germline): Likely benign (1 of 4 stars; one submission).

Submission:

CeGaT Center for Human Genetics Tuebingen
Classification: Likely benign. Last evaluated: 2026-01-01. Review status: criteria provided, single submitter. Criteria: CeGaT Center For Human Genetics Tuebingen Variant Classification Criteria Version 2. Collection method: clinical testing. Allele origin: germline. Affected: yes. Observed: 5 variant alleles.
Comment: MUC4: BP4, BS2